The following is an entry in ClinVar:

ClinVar aggregate classification (germline): Uncertain significance (1 of 4 stars; one submission).

Submission:

Labcorp Genetics (formerly Invitae), Labcorp
Classification: Uncertain significance. Last evaluated: 2022-05-26. Review status: criteria provided, single submitter. Criteria: Invitae Variant Classification Sherloc (09022015). Collection method: clinical testing. Allele origin: germline.
Comment: In summary, the available evidence is currently insufficient to determine the role of this variant in disease. Therefore, it has been classified as a Variant of Uncertain Significance. Experimental studies and prediction algorithms are not available or were not evaluated, and the functional significance of this variant is currently unknown. This variant has not been reported in the literature in individuals affected with COL18A1-related conditions. This variant is not present in population databases (gnomAD no frequency). This sequence change replaces proline, which is neutral and non-polar, with arginine, which is basic and polar, at codon 593 of the COL18A1 protein (p.Pro593Arg).

NM_001379500.1(COL18A1):c.1778C>G (p.Pro593Arg)

Gene: COL18A1 (collagen type XVIII alpha 1 chain; plus strand). Cytogenetic location: 21q22.3.
Variant type: single nucleotide variant.
Coding change: c.1778C>G on transcript NM_001379500.1 (MANE Select); coding-DNA position 1778, C replaced by G.
Protein change: p.Pro593Arg; replaces proline 593 with arginine.
Molecular consequence: missense variant.
Genome position (GRCh38, 1-based): chr21:45,486,937, C>G. VCF-style: chr21-45486937-C-G. GRCh37 (hg19) VCF-style: chr21-46906851-C-G.
Other names: c.2318C>G, p.Pro773Arg (NM_030582.4); c.3023C>G, p.Pro1008Arg (NM_130444.3); short protein forms P1008R, P593R, P773R.
Identifiers: ClinVar variation 2122867 (VCV002122867.4), dbSNP rs2145964688, ClinGen allele CA410496295.